The following is an entry in ClinVar:

ClinVar aggregate classification (germline): Uncertain significance (1 of 4 stars; one submission).

Conditions:
Brown-Vialetto-van Laere syndrome 2. Also called: SPINOCEREBELLAR ATAXIA WITH BLINDNESS AND DEAFNESS 2; Riboflavin transporter deficiency type 2. Identifiers: Orphanet 572543, Orphanet 97229, MedGen C3553538, MONDO:0013867, OMIM 614707.

Submission:

Labcorp Genetics (formerly Invitae), Labcorp
Classification: Uncertain significance for Brown-Vialetto-van Laere syndrome 2. Last evaluated: 2024-02-24. Review status: criteria provided, single submitter. Criteria: Invitae Variant Classification Sherloc (09022015). Collection method: clinical testing. Allele origin: germline.
Comment: This sequence change replaces leucine, which is neutral and non-polar, with valine, which is neutral and non-polar, at codon 60 of the SLC52A2 protein (p.Leu60Val). This variant is not present in population databases (gnomAD no frequency). This variant has not been reported in the literature in individuals affected with SLC52A2-related conditions. ClinVar contains an entry for this variant (Variation ID: 1378171). Advanced modeling of protein sequence and biophysical properties (such as structural, functional, and spatial information, amino acid conservation, physicochemical variation, residue mobility, and thermodynamic stability) has been performed at Invitae for this missense variant, however the output from this modeling did not meet the statistical confidence thresholds required to predict the impact of this variant on SLC52A2 protein function. In summary, the available evidence is currently insufficient to determine the role of this variant in disease. Therefore, it has been classified as a Variant of Uncertain Significance.

NM_001363118.2(SLC52A2):c.178C>G (p.Leu60Val)

Gene: SLC52A2 (solute carrier family 52 member 2; plus strand). Cytogenetic location: 8q24.3.
Variant type: single nucleotide variant.
Coding change: c.178C>G on transcript NM_001363118.2 (MANE Select); coding-DNA position 178, C replaced by G.
Protein change: p.Leu60Val; replaces leucine 60 with valine.
Molecular consequence: missense variant. On other transcripts: non-coding transcript variant (1), intron variant (1).
Genome position (GRCh38, 1-based): chr8:144,359,670, C>G. VCF-style: chr8-144359670-C-G. GRCh37 (hg19) VCF-style: chr8-145583330-C-G.
Other names: c.178C>G, p.Leu60Val (NM_001253815.2, NM_001253816.2, NM_001363120.2 and 2 more transcripts); c.130+247C>G (NM_001363122.2); short protein forms L60V.
Identifiers: ClinVar variation 1378171 (VCV001378171.6), dbSNP rs201213634, ClinGen allele CA187656837.